The following is an entry in ClinVar:

NM_000018.4(ACADVL):c.1534C>T (p.Arg512Trp)

Gene: ACADVL (acyl-CoA dehydrogenase very long chain; plus strand). Cytogenetic location: 17p13.1.
Variant type: single nucleotide variant.
Coding change: c.1534C>T on transcript NM_000018.4 (MANE Select); coding-DNA position 1534, C replaced by T.
Protein change: p.Arg512Trp; replaces arginine 512 with tryptophan.
Molecular consequence: missense variant.
Genome position (GRCh38, 1-based): chr17:7,224,322, C>T. VCF-style: chr17-7224322-C-T. GRCh37 (hg19) VCF-style: chr17-7127641-C-T.
Other names: c.1534C>T (NM_000018.2); c.1468C>T, p.Arg490Trp (NM_001033859.3); c.1603C>T, p.Arg535Trp (NM_001270447.2); c.1306C>T, p.Arg436Trp (NM_001270448.2); short protein forms R436W, R490W, R535W, R512W.
Identifiers: ClinVar variation 653111 (VCV000653111.10), dbSNP rs371316167, ClinGen allele CA8338149.

ClinVar aggregate classification (germline): Conflicting classifications of pathogenicity. Review status: criteria provided, conflicting classifications (1 of 4 stars). 5 submissions from 5 submitters: Uncertain significance (3); Likely benign (1). 1 of the submissions does not count toward it. Last evaluated 2024-10-29.

Conditions:
Very long chain acyl-CoA dehydrogenase deficiency (ACADVLD). Also called: Very Long-Chain Acyl-Coenzyme A Dehydrogenase Deficiency; VLCAD Deficiency. Identifiers: Orphanet 26793, MedGen C3887523, MONDO:0008723, OMIM 201475.
Inborn genetic diseases. Identifiers: MedGen C0950123, MeSH D030342.

Allele frequency attached by ClinVar (database versions not stated): gnomAD 0.00001 and 0.00002; gnomAD exomes 0.00003 and 0.00005; TOPMed 0.00004; ExAC 0.00006.

Submissions (5):

Blueprint Genetics
Classification: Uncertain significance. Last evaluated: 2024-10-29. Review status: criteria provided, single submitter. Criteria: ACMG Guidelines, 2015. Collection method: clinical testing. Allele origin: germline.

3billion
Classification: Likely benign for Very long chain acyl-CoA dehydrogenase deficiency. Last evaluated: 2024-09-20. Review status: criteria provided, single submitter. Criteria: ACMG Guidelines, 2015. Collection method: clinical testing. Allele origin: germline. Affected: no.
Comment: The homozygous variant was found in patients diagnosed with another variant in a different gene, with no symptoms related to the gene containing the homozygous variant.

Labcorp Genetics (formerly Invitae), Labcorp
Classification: Uncertain significance for Very long chain acyl-CoA dehydrogenase deficiency. Last evaluated: 2022-08-19. Review status: criteria provided, single submitter. Criteria: Invitae Variant Classification Sherloc (09022015). Collection method: clinical testing. Allele origin: germline.
Comment: This sequence change replaces arginine, which is basic and polar, with tryptophan, which is neutral and slightly polar, at codon 512 of the ACADVL protein (p.Arg512Trp). The frequency data for this variant in the population databases is considered unreliable, as metrics indicate poor data quality at this position in the gnomAD database. This variant has not been reported in the literature in individuals affected with ACADVL-related conditions. ClinVar contains an entry for this variant (Variation ID: 653111). Algorithms developed to predict the effect of missense changes on protein structure and function are either unavailable or do not agree on the potential impact of this missense change (SIFT: "Deleterious"; PolyPhen-2: "Possibly Damaging"; Align-GVGD: "Class C0"). Algorithms developed to predict the effect of sequence changes on RNA splicing suggest that this variant may create or strengthen a splice site. In summary, the available evidence is currently insufficient to determine the role of this variant in disease. Therefore, it has been classified as a Variant of Uncertain Significance.

Ambry Genetics
Classification: Uncertain significance for Inborn genetic diseases. Last evaluated: 2022-06-07. Review status: criteria provided, single submitter. Criteria: Ambry Variant Classification Scheme 2023. Collection method: clinical testing. Allele origin: germline.

Natera, Inc.
Classification: Uncertain significance for Very long chain acyl-CoA dehydrogenase deficiency. Last evaluated: 2020-02-26. Review status: no assertion criteria provided. Collection method: clinical testing. Allele origin: germline. Not counted in ClinVar's aggregate classification.